The following is an entry in ClinVar:

NM_001378120.1(MBD5):c.433C>G (p.Pro145Ala)

Gene: MBD5 (methyl-CpG binding domain protein 5; plus strand). Cytogenetic location: 2q23.1.
Variant type: single nucleotide variant.
Coding change: c.433C>G on transcript NM_001378120.1 (MANE Select); coding-DNA position 433, C replaced by G.
Protein change: p.Pro145Ala; replaces proline 145 with alanine.
Molecular consequence: missense variant.
Genome position (GRCh38, 1-based): chr2:148,468,376, C>G. VCF-style: chr2-148468376-C-G. GRCh37 (hg19) VCF-style: chr2-149225945-C-G.
Other names: c.433C>G, p.Pro145Ala (NM_018328.5); short protein forms P145A.
Identifiers: ClinVar variation 2335722 (VCV002335722.3), dbSNP rs2469853936, ClinGen allele CA348716778.

ClinVar aggregate classification (germline): Uncertain significance (1 of 4 stars; one submission).

Conditions:
Inborn genetic diseases. Identifiers: MedGen C0950123, MeSH D030342.

Submission:

Ambry Genetics
Classification: Uncertain significance for Inborn genetic diseases. Last evaluated: 2022-12-15. Review status: criteria provided, single submitter. Criteria: Ambry Variant Classification Scheme 2023. Collection method: clinical testing. Allele origin: germline.
Comment: The c.433C>G (p.P145A) alteration is located in exon 9 (coding exon 4) of the MBD5 gene. This alteration results from a C to G substitution at nucleotide position 433, causing the proline (P) at amino acid position 145 to be replaced by an alanine (A). This variant was not reported in population-based cohorts in the Genome Aggregation Database (gnomAD). This amino acid position is well conserved in available vertebrate species. This alteration is predicted to be tolerated by in silico analysis. Based on insufficient or conflicting evidence, the clinical significance of this alteration remains unclear.